The following is an entry in ClinVar:

ClinVar aggregate classification (germline): Uncertain significance (1 of 4 stars; one submission).

gnomAD v4.1: 2 of 1,531,758 alleles (0.00013%); highest among the groups gnomAD compares: Non-Finnish European, 0.000088%; no homozygotes.

Submission:

Mayo Clinic Laboratories, Mayo Clinic
Classification: Uncertain significance. Last evaluated: 2025-10-31. Review status: criteria provided, single submitter. Criteria: ACMG Guidelines, 2015. Collection method: clinical testing. Allele origin: germline. Observed: 1 variant allele.
Comment: PM2_supporting

NM_000435.3(NOTCH3):c.6334G>T (p.Gly2112Cys)

Gene: NOTCH3 (notch receptor 3; minus strand). Cytogenetic location: 19p13.12.
Variant type: single nucleotide variant.
Coding change: c.6334G>T on transcript NM_000435.3 (MANE Select); coding-DNA position 6334, G replaced by T.
Protein change: p.Gly2112Cys; replaces glycine 2112 with cysteine.
Molecular consequence: missense variant.
Genome position (GRCh38, 1-based): chr19:15,161,294, C>A on the plus strand (G>T on the coding strand, the complement: NOTCH3 is on the minus strand). VCF-style: chr19-15161294-C-A. GRCh37 (hg19) VCF-style: chr19-15272105-C-A.
Other names: p.Gly2112Cys; short protein forms G2112C.
Identifiers: ClinVar variation 4542313 (VCV004542313.1).
Genomic context (GRCh38, chr19:15,161,294, plus strand): 5'-CAGTGGCAGCTGCATAGGGCCCCTCAAGGGGGAAGCCACCAGGGGAAGCAGGGGGCCCAC[C>A]GAAAGGCCGCGGGGAGTCCAGCGAGTCCACGGGCGACAGCGTGACCGAGCTGTCAGCCAG-3'
Protein context (NP_000426.2, residues 2102-2122): VDSLDSPRPF[Gly2112Cys]GPPASPGGFP